The following is an entry in ClinVar:

ClinVar aggregate classification (germline): Uncertain significance (1 of 4 stars; one submission).

Conditions:
Desmin-related myofibrillar myopathy (MFM1). Also called: MYOFIBRILLAR MYOPATHY WITH ARRHYTHMOGENIC RIGHT VENTRICULAR CARDIOMYOPATHY; DESMIN-RELATED MYOPATHY WITH ARRHYTHMOGENIC RIGHT VENTRICULAR CARDIOMYOPATHY; Myofibrillar myopathy 1; Desminopathy; Desmin related myopathy (former name); Desmin storage myopathy (former name). Identifiers: Orphanet 363543, Orphanet 98909, MedGen C1832370, MONDO:0011076, OMIM 601419.

gnomAD v4.1: 1 of 1,614,166 alleles (0.000062%); highest among the groups gnomAD compares: South Asian, 0.0011%; no homozygotes.

Submission:

Labcorp Genetics (formerly Invitae), Labcorp
Classification: Uncertain significance for Desmin-related myofibrillar myopathy. Last evaluated: 2019-01-26. Review status: criteria provided, single submitter. Criteria: Invitae Variant Classification Sherloc (09022015). Collection method: clinical testing. Allele origin: germline.
Comment: In summary, the available evidence is currently insufficient to determine the role of this variant in disease. Therefore, it has been classified as a Variant of Uncertain Significance. Algorithms developed to predict the effect of missense changes on protein structure and function are either unavailable or do not agree on the potential impact of this missense change (SIFT: "Deleterious"; PolyPhen-2: "Probably Damaging"; Align-GVGD: "Class C15"). This variant has not been reported in the literature in individuals with DES-related conditions. This variant is not present in population databases (ExAC no frequency). This sequence change replaces arginine with proline at codon 383 of the DES protein (p.Arg383Pro). The arginine residue is highly conserved and there is a moderate physicochemical difference between arginine and proline.

NM_001927.4(DES):c.1148G>C (p.Arg383Pro)

Gene: DES (desmin; plus strand). Cytogenetic location: 2q35.
Variant type: single nucleotide variant.
Coding change: c.1148G>C on transcript NM_001927.4 (MANE Select); coding-DNA position 1148, G replaced by C.
Protein change: p.Arg383Pro; replaces arginine 383 with proline.
Molecular consequence: missense variant.
Genome position (GRCh38, 1-based): chr2:219,421,464, G>C. VCF-style: chr2-219421464-G-C. GRCh37 (hg19) VCF-style: chr2-220286186-G-C.
Other names: short protein forms R383P.
Identifiers: ClinVar variation 854176 (VCV000854176.10), dbSNP rs1292042317, ClinGen allele CA350694585.